The following is an entry in ClinVar:

NM_198129.4(LAMA3):c.5613+1G>A

Gene: LAMA3 (laminin subunit alpha 3; plus strand). Cytogenetic location: 18q11.2.
Variant type: single nucleotide variant.
Coding change: c.5613+1G>A on transcript NM_198129.4 (MANE Select); the canonical splice donor site of the intron after coding-DNA position 5613, G replaced by A.
Molecular consequence: splice donor variant.
Genome position (GRCh38, 1-based): chr18:23,895,059, G>A. VCF-style: chr18-23895059-G-A. GRCh37 (hg19) VCF-style: chr18-21475023-G-A.
Other names: c.5613+1G>A (NM_001127717.4); c.786+1G>A (NM_000227.6, NM_001127718.4).
Identifiers: ClinVar variation 2584816 (VCV002584816.1), dbSNP rs2511358161, ClinGen allele CA402046288.
Genomic context (GRCh38, chr18:23,895,059, plus strand): 5'-GCCAGCGCAGGGCTTCTGGAGCAGATGAGGCACATGGAGACCCAGGCCAAGGACCTGAGG[G>A]TAAATCCCCTGCGGCCGAGAGTAGACACGTGGGGAGGAGATGCTGCGGGAGTGGATTCTC-3'

ClinVar aggregate classification (germline): Likely pathogenic (1 of 4 stars; one submission).

Conditions:
Junctional epidermolysis bullosa gravis of Herlitz. Also called: EPIDERMOLYSIS BULLOSA, JUNCTIONAL 1B, SEVERE; Epidermolysis Bullosa Letalis; Herlitz-type junctional epidermolysis bullosa; EPIDERMOLYSIS BULLOSA JUNCTIONALIS, HERLITZ TYPE; EPIDERMOLYSIS BULLOSA, JUNCTIONAL, HERLITZ-PEARSON TYPE; JEB-HERLITZ TYPE. Identifiers: Orphanet 79404, MedGen C0079683, MONDO:0009182, OMIM 226700.

Submission:

Neuberg Centre For Genomic Medicine, NCGM
Classification: Likely pathogenic for Junctional epidermolysis bullosa gravis of Herlitz. Review status: criteria provided, single submitter. Criteria: ACMG Guidelines, 2015. Collection method: clinical testing. Allele origin: germline. Inheritance: Autosomal recessive inheritance. Affected: yes.
Comment: The splice donor variant c.5613+1G>A in LAMA3 gene has not been reported previously as a pathogenic variant nor as a benign variant, to our knowledge. Heterozygous carriers of functional null mutations in LAMA3 gene have been previously reported to display subtle enamel pitting without skin fragility, skin blistering or other JEB symptoms (Gostyńska et al. 2016). The c.5613+1G>A variant is novel (not in any individuals) in gnomAD Exomes and 1000 Genomes. The c.5613+1G>A nucleotide change in LAMA3 is predicted as conserved by GERP++ and PhyloP across 100 vertebrates. For these reasons, this variant has been classified as Likely Pathogenic